The following is an entry in ClinVar:

ClinVar aggregate classification (germline): Uncertain significance (1 of 4 stars; one submission).

Conditions:
Cardiovascular phenotype. Identifiers: MedGen CN230736.

Submission:

Ambry Genetics
Classification: Uncertain significance for Cardiovascular phenotype. Last evaluated: 2026-03-14. Review status: criteria provided, single submitter. Criteria: Ambry Variant Classification Scheme 2023. Collection method: clinical testing. Allele origin: germline.
Comment: The p.S316F variant (also known as c.947C>T), located in coding exon 7 of the SPRED1 gene, results from a C to T substitution at nucleotide position 947. The serine at codon 316 is replaced by phenylalanine, an amino acid with highly dissimilar properties. This amino acid position is conserved. In addition, the in silico prediction for this alteration is inconclusive. Based on the available evidence, the clinical significance of this variant remains unclear.

NM_152594.3(SPRED1):c.947C>T (p.Ser316Phe)

Gene: SPRED1 (sprouty related EVH1 domain containing 1; plus strand). Cytogenetic location: 15q14.
Variant type: single nucleotide variant.
Coding change: c.947C>T on transcript NM_152594.3 (MANE Select); coding-DNA position 947, C replaced by T.
Protein change: p.Ser316Phe; replaces serine 316 with phenylalanine.
Molecular consequence: missense variant.
Genome position (GRCh38, 1-based): chr15:38,351,276, C>T. VCF-style: chr15-38351276-C-T. GRCh37 (hg19) VCF-style: chr15-38643477-C-T.
Other names: short protein forms S316F.
Identifiers: ClinVar variation 4827639 (VCV004827639.1).
Genomic context (GRCh38, chr15:38,351,276, plus strand): 5'-GTGGGGATGAGACTAAGTTAAGTTCACCCAAAGACTCTGTGGTATTTAAGACGCAGCCTT[C>T]CTCATTAAAAATTAAGAAGTCAAAACGAAGAAAAGAGGATGGTGAACGTTCTCGCTGCGT-3'
Protein context (NP_689807.1, residues 306-326): KDSVVFKTQP[Ser316Phe]SLKIKKSKRR